The following is an entry in ClinVar:

NM_013275.6(ANKRD11):c.6724G>A (p.Ala2242Thr)

Gene: ANKRD11 (ankyrin repeat domain containing 11; minus strand). Cytogenetic location: 16q24.3.
Variant type: single nucleotide variant.
Coding change: c.6724G>A on transcript NM_013275.6 (MANE Select); coding-DNA position 6724, G replaced by A.
Protein change: p.Ala2242Thr; replaces alanine 2242 with threonine.
Molecular consequence: missense variant.
Genome position (GRCh38, 1-based): chr16:89,279,818, C>T on the plus strand (G>A on the coding strand, the complement: ANKRD11 is on the minus strand). VCF-style: chr16-89279818-C-T. GRCh37 (hg19) VCF-style: chr16-89346226-C-T.
Other names: c.6724G>A, p.Ala2242Thr (NM_001256182.2, NM_001256183.2); short protein forms A2242T.
Identifiers: ClinVar variation 2579975 (VCV002579975.1), dbSNP rs2151734092, ClinGen allele CA397150146.
Genomic context (GRCh38, chr16:89,279,818, plus strand): 5'-CTTCAGCCTCAGCCCCCTGGTCTCCGCTCCCCAGTGGGCGCTGTTCTGGGGGAACGGGCG[C>T]GGGCTCCACGCTGGAGTCCGGATCCCCACGGGCCCTCTCTTCCGGCACCGTCTCCGCCTC-3'
Protein context (NP_037407.4, residues 2232-2252): RGDPDSSVEP[Ala2242Thr]PVPPEQRPLG

ClinVar aggregate classification (germline): Uncertain significance (1 of 4 stars; one submission).

Allele frequency attached by ClinVar (database versions not stated): gnomAD exomes below 0.00001.
gnomAD v4.1: 3 of 1,543,544 alleles (0.00019%); highest among the groups gnomAD compares: African/African-American, 0.0027%; no homozygotes.

Submission:

GeneDx
Classification: Uncertain significance. Last evaluated: 2023-09-17. Review status: criteria provided, single submitter. Criteria: GeneDx Variant Classification Process June 2021. Collection method: clinical testing. Allele origin: germline. Affected: yes.
Comment: Not observed at significant frequency in large population cohorts (gnomAD); In silico analysis supports that this missense variant does not alter protein structure/function; Has not been previously published as pathogenic or benign to our knowledge